The following is an entry in ClinVar:

NM_001134363.3(RBM20):c.2436_2442del (p.Arg813fs)

Gene: RBM20 (RNA binding motif protein 20; plus strand). Cytogenetic location: 10q25.2.
Variant type: Deletion.
Coding change: c.2436_2442del on transcript NM_001134363.3 (MANE Select); coding-DNA positions 2436 to 2442, 7 bases deleted (TAGGGCC; older notation c.2436_2442delTAGGGCC).
Protein change: p.Arg813fs; shifts the reading frame from arginine 813.
Molecular consequence: frameshift variant.
Genome position (GRCh38, 1-based): chr10:110,812,833-110,812,839, TAGGGCC deleted; deleting any 7 consecutive bases within chr10:110,812,832-110,812,839 gives the same sequence; the c. name uses the placement nearest the transcript's 3' end. VCF-style (leftmost placement, unchanged base first): chr10-110812831-ACTAGGGC-A. GRCh37 (hg19) VCF-style: chr10-112572589-ACTAGGGC-A.
Other names: short protein forms R813fs.
Identifiers: ClinVar variation 538032 (VCV000538032.6), dbSNP rs1554842805, ClinGen allele CA658797539.

ClinVar aggregate classification (germline): Pathogenic (1 of 4 stars; one submission).

Conditions:
Dilated cardiomyopathy 1DD (CMD1DD). Identifiers: Orphanet 154, MedGen C2750995, MONDO:0013168, OMIM 613172.

Submission:

Labcorp Genetics (formerly Invitae), Labcorp
Classification: Pathogenic for Dilated cardiomyopathy 1DD. Last evaluated: 2025-12-08. Review status: criteria provided, single submitter. Criteria: Invitae Variant Classification Sherloc (09022015). Collection method: clinical testing. Allele origin: germline.
Comment: This sequence change creates a premature translational stop signal (p.Arg813Leufs*95) in the RBM20 gene. It is expected to result in an absent or disrupted protein product. Loss-of-function variants in RBM20 are known to be pathogenic (PMID: 20590677, 22004663, 38288598, 38510713, 40339755). This variant is not present in population databases (gnomAD no frequency). This variant has not been reported in the literature in individuals affected with RBM20-related conditions. ClinVar contains an entry for this variant (Variation ID: 538032). For these reasons, this variant has been classified as Pathogenic.

Literature cited by the submitters: PubMed 20590677; PubMed 22004663; PubMed 38288598; PubMed 38510713; PubMed 40339755.